The following is an entry in ClinVar:

ClinVar aggregate classification (germline): Uncertain significance. Review status: criteria provided, multiple submitters, no conflicts (2 of 4 stars). 2 submissions from 2 submitters: Uncertain significance (2). Last evaluated 2025-10-29.

Conditions:
Inborn genetic diseases. Identifiers: MedGen C0950123, MeSH D030342.

Allele frequency attached by ClinVar (database versions not stated): gnomAD exomes 0.00002 and 0.00001.
gnomAD v4.1: 39 of 1,614,090 alleles (0.0024%); highest among the groups gnomAD compares: Non-Finnish European, 0.0029%; no homozygotes.

Submissions (2):

Ambry Genetics
Classification: Uncertain significance for Inborn genetic diseases. Last evaluated: 2025-10-29. Review status: criteria provided, single submitter. Criteria: Ambry Variant Classification Scheme 2023. Collection method: clinical testing. Allele origin: germline.

Labcorp Genetics (formerly Invitae), Labcorp
Classification: Uncertain significance. Last evaluated: 2024-10-07. Review status: criteria provided, single submitter. Criteria: Invitae Variant Classification Sherloc (09022015). Collection method: clinical testing. Allele origin: germline.
Comment: This sequence change replaces proline, which is neutral and non-polar, with leucine, which is neutral and non-polar, at codon 1498 of the LTBP2 protein (p.Pro1498Leu). The frequency data for this variant in the population databases is considered unreliable, as metrics indicate poor data quality at this position in the gnomAD database. This variant has not been reported in the literature in individuals affected with LTBP2-related conditions. ClinVar contains an entry for this variant (Variation ID: 1415844). An algorithm developed to predict the effect of missense changes on protein structure and function (PolyPhen-2) suggests that this variant¬†is likely to be tolerated. In summary, the available evidence is currently insufficient to determine the role of this variant in disease. Therefore, it has been classified as a Variant of Uncertain Significance.

NM_000428.3(LTBP2):c.4493C>T (p.Pro1498Leu)

Gene: LTBP2 (latent transforming growth factor beta binding protein 2; minus strand). Cytogenetic location: 14q24.3.
Variant type: single nucleotide variant.
Coding change: c.4493C>T on transcript NM_000428.3 (MANE Select); coding-DNA position 4493, C replaced by T.
Protein change: p.Pro1498Leu; replaces proline 1498 with leucine.
Molecular consequence: missense variant.
Genome position (GRCh38, 1-based): chr14:74,504,015, G>A on the plus strand (C>T on the coding strand, the complement: LTBP2 is on the minus strand). VCF-style: chr14-74504015-G-A. GRCh37 (hg19) VCF-style: chr14-74970718-G-A.
Other names: c.4493C>T (NM_000428.2); short protein forms P1498L.
Identifiers: ClinVar variation 1415844 (VCV001415844.6), dbSNP rs766870197, ClinGen allele CA7268742.